The following is an entry in ClinVar:

NM_000535.7(PMS2):c.2039del (p.Gly680fs)

Gene: PMS2 (PMS1 homolog 2, mismatch repair system component; minus strand). Cytogenetic location: 7p22.1.
Variant type: Deletion.
Coding change: c.2039del on transcript NM_000535.7 (MANE Select); coding-DNA position 2039, one base deleted (G; older notation c.2039delG).
Protein change: p.Gly680fs; shifts the reading frame from glycine 680.
Molecular consequence: frameshift variant. On other transcripts: non-coding transcript variant (1).
Genome position (GRCh38, 1-based): chr7:5,982,959, C deleted on the plus strand (G on the coding strand, the reverse complement: PMS2 is on the minus strand); the first of 2 consecutive C bases (chr7:5,982,959-5,982,960); deleting either gives the same sequence. VCF-style (leftmost placement, unchanged base first): chr7-5982958-AC-A. GRCh37 (hg19) VCF-style: chr7-6022589-AC-A.
Other names: c.1633delG, p.Gly545Valfs (NM_001018040.1, NM_001406887.1, NM_001406888.1 and 11 more transcripts); c.1634del, p.Gly545fs (NM_001322003.2, NM_001322004.2, NM_001322005.2 and 1 more transcripts); c.2224delG, p.Gly742Valfs (NM_001406866.1); c.2062delG, p.Gly688Valfs (NM_001406868.1); c.1930delG, p.Gly644Valfs (NM_001406869.1); c.1882delG, p.Gly628Valfs (NM_001406870.1); c.2038delG, p.Gly680Valfs (NM_001406871.1); c.1840delG, p.Gly614Valfs (NM_001406873.1); and 20 more; short protein forms G489fs, G493fs, G577fs, G628fs, G545fs, G369fs, G574fs, G680fs.
Identifiers: ClinVar variation 2031269 (VCV002031269.4), dbSNP rs2535550306, ClinGen allele CA2580076837.

ClinVar aggregate classification (germline): Pathogenic (1 of 4 stars; one submission).

Conditions:
Hereditary nonpolyposis colorectal neoplasms. Identifiers: MedGen C0009405, MeSH D003123.

Submission:

Labcorp Genetics (formerly Invitae), Labcorp
Classification: Pathogenic for Hereditary nonpolyposis colorectal neoplasms. Last evaluated: 2021-12-03. Review status: criteria provided, single submitter. Criteria: Invitae Variant Classification Sherloc (09022015). Collection method: clinical testing. Allele origin: germline.
Comment: This sequence change creates a premature translational stop signal (p.Gly680Valfs*8) in the PMS2 gene. It is expected to result in an absent or disrupted protein product. Loss-of-function variants in PMS2 are known to be pathogenic (PMID: 21376568, 24362816). The frequency data for this variant in the population databases (gnomAD) is considered unreliable due to the presence of homologous sequence, such as pseudogenes or paralogs, in the genome. This variant has not been reported in the literature in individuals affected with PMS2-related conditions. For these reasons, this variant has been classified as Pathogenic.

Literature cited by the submitters: PubMed 21376568; PubMed 24362816.